The following is an entry in ClinVar:

NM_000179.3(MSH6):c.4073dup (p.Glu1359fs)

Gene: MSH6 (mutS homolog 6; plus strand). Cytogenetic location: 2p16.3.
Variant type: Duplication.
Coding change: c.4073dup on transcript NM_000179.3 (MANE Select); coding-DNA position 4073, one base duplicated (A; older notation c.4073dupA).
Protein change: p.Glu1359fs; shifts the reading frame from glutamic acid 1359.
Molecular consequence: frameshift variant.
Genome position (GRCh38, 1-based): chr2:47,806,850, A duplicated; the last of 2 consecutive A bases (chr2:47,806,849-47,806,850); duplicating either gives the same sequence. VCF-style (leftmost placement, unchanged base first): chr2-47806848-T-TA. GRCh37 (hg19) VCF-style: chr2-48033987-T-TA.
Other names: c.3683dup, p.Glu1229fs (NM_001281492.2); c.3167dup, p.Glu1057fs (NM_001281493.2, NM_001281494.2); c.4073dup (NM_000179.2); short protein forms E1057fs, E1229fs, E1359fs.
Identifiers: ClinVar variation 1055808 (VCV001055808.10), dbSNP rs2104585660, ClinGen allele CA2499216158.
Genomic context (GRCh38, chr2:47,806,848, plus strand): 5'-CCTGGCTAGTGAAAGGTCAACTGTAGATGCTGAAGCTGTCCATAAATTGCTGACTTTGAT[T>TA]AAGGAATTATAGACTGACTACATTGGAAGCTTTGAGTTGACTTCTGACAAAGGTGGTAAA-3'

ClinVar aggregate classification (germline): Uncertain significance. Review status: criteria provided, multiple submitters, no conflicts (2 of 4 stars). 3 submissions from 3 submitters: Uncertain significance (3). Last evaluated 2023-09-11.

Conditions:
Hereditary nonpolyposis colorectal neoplasms. Identifiers: MedGen C0009405, MeSH D003123.

Submissions (3):

GeneDx
Classification: Uncertain significance. Last evaluated: 2023-09-11. Review status: criteria provided, single submitter. Criteria: GeneDx Variant Classification Process June 2021. Collection method: clinical testing. Allele origin: germline. Affected: yes.
Comment: Frameshift variant predicted to result in protein truncation as the last 2 amino acids are replaced with 4 different amino acids, although loss-of-function variants have not been reported downstream of this position in the protein; Not observed at significant frequency in large population cohorts (gnomAD); Observed in individual(s) with prostate cancer (Matejcic et al., 2020); This variant is associated with the following publications: (PMID: 32832836)

Revvity Omics, Revvity
Classification: Uncertain significance. Last evaluated: 2023-07-25. Review status: criteria provided, single submitter. Criteria: ACMG Guidelines, 2015. Collection method: clinical testing. Allele origin: germline.

Labcorp Genetics (formerly Invitae), Labcorp
Classification: Uncertain significance for Hereditary nonpolyposis colorectal neoplasms. Last evaluated: 2023-05-23. Review status: criteria provided, single submitter. Criteria: Invitae Variant Classification Sherloc (09022015). Collection method: clinical testing. Allele origin: germline.
Comment: In summary, the available evidence is currently insufficient to determine the role of this variant in disease. Therefore, it has been classified as a Variant of Uncertain Significance. Experimental studies and prediction algorithms are not available or were not evaluated, and the functional significance of this variant is currently unknown. ClinVar contains an entry for this variant (Variation ID: 1055808). This variant has not been reported in the literature in individuals affected with MSH6-related conditions. This variant is not present in population databases (gnomAD no frequency). This sequence change results in a frameshift in the MSH6 gene (p.Glu1359Glyfs*5). While this is not anticipated to result in nonsense mediated decay, it is expected to disrupt the last 2 amino acid(s) of the MSH6 protein and extend the protein by 2 additional amino acid residues.